The following is an entry in ClinVar:

ClinVar aggregate classification (germline): Uncertain significance (1 of 4 stars; one submission).

Conditions:
Inflammatory bowel disease 1 (IBD1). Also called: INFLAMMATORY BOWEL DISEASE (CROHN DISEASE) 1; Inflammatory bowel disease 1, Crohn disease. Identifiers: MedGen CN260071, MONDO:0009960, OMIM 266600.
Blau syndrome (BLAUS). Also called: ARTHROCUTANEOUVEAL GRANULOMATOSIS; GRANULOMATOSIS, FAMILIAL JUVENILE SYSTEMIC; GRANULOMATOSIS, FAMILIAL, BLAU TYPE; GRANULOMATOUS INFLAMMATORY ARTHRITIS, DERMATITIS, AND UVEITIS, FAMILIAL; JABS SYNDROME. Identifiers: Orphanet 90340, MedGen C5201146, MONDO:0008523, OMIM 186580.

Allele frequency attached by ClinVar (database versions not stated): gnomAD exomes below 0.00001.
gnomAD v4.1: 1 of 1,613,894 alleles (0.000062%); highest among the groups gnomAD compares: South Asian, 0.0011%; no homozygotes.

Submission:

Labcorp Genetics (formerly Invitae), Labcorp
Classification: Uncertain significance for Inflammatory bowel disease 1; Granulomatous inflammatory arthritis, dermatitis and uveitis, familial. Last evaluated: 2019-11-03. Review status: criteria provided, single submitter. Criteria: Invitae Variant Classification Sherloc (09022015). Collection method: clinical testing. Allele origin: germline.
Comment: This sequence change replaces leucine with phenylalanine at codon 769 of the NOD2 protein (p.Leu769Phe). The leucine residue is moderately conserved and there is a small physicochemical difference between leucine and phenylalanine. This variant is not present in population databases (ExAC no frequency). This variant has not been reported in the literature in individuals with NOD2-related conditions. Algorithms developed to predict the effect of missense changes on protein structure and function are either unavailable or do not agree on the potential impact of this missense change (SIFT: "Deleterious"; PolyPhen-2: "Probably Damaging"; Align-GVGD: "Class C0"). In summary, the available evidence is currently insufficient to determine the role of this variant in disease. Therefore, it has been classified as a Variant of Uncertain Significance.

NM_001370466.1(NOD2):c.2226G>C (p.Leu742Phe)

Gene: NOD2 (nucleotide binding oligomerization domain containing 2; plus strand). Cytogenetic location: 16q12.1.
Variant type: single nucleotide variant.
Coding change: c.2226G>C on transcript NM_001370466.1 (MANE Select); coding-DNA position 2226, G replaced by C.
Protein change: p.Leu742Phe; replaces leucine 742 with phenylalanine.
Molecular consequence: missense variant. On other transcripts: non-coding transcript variant (1).
Genome position (GRCh38, 1-based): chr16:50,712,218, G>C. VCF-style: chr16-50712218-G-C. GRCh37 (hg19) VCF-style: chr16-50746129-G-C.
Other names: c.2226G>C, p.Leu742Phe (NM_001293557.2); c.2307G>C, p.Leu769Phe (NM_022162.3); short protein forms L742F, L769F.
Identifiers: ClinVar variation 957790 (VCV000957790.1), dbSNP rs1266638330, ClinGen allele CA395871755.
Genomic context (GRCh38, chr16:50,712,218, plus strand): 5'-GCAGGAGGAGCGGCTGGCTCGGAAGGCTGCACGTGGCCTGAATGTTGGGCACCTCAAGTT[G>C]ACATTTTGCAGTGTGGGCCCCACTGAGTGTGCTGCCCTGGCCTTTGTGCTGCAGCACCTC-3'
Protein context (NP_001357395.1, residues 732-752): ARGLNVGHLK[Leu742Phe]TFCSVGPTEC